The following is an entry in ClinVar:

NM_014159.7(SETD2):c.7249T>C (p.Trp2417Arg)

Gene: SETD2 (SET domain containing 2, histone lysine methyltransferase; minus strand). Cytogenetic location: 3p21.31.
Variant type: single nucleotide variant.
Coding change: c.7249T>C on transcript NM_014159.7 (MANE Select); coding-DNA position 7249, T replaced by C.
Protein change: p.Trp2417Arg; replaces tryptophan 2417 with arginine.
Molecular consequence: missense variant. On other transcripts: non-coding transcript variant (1).
Genome position (GRCh38, 1-based): chr3:47,037,767, A>G on the plus strand (T>C on the coding strand, the complement: SETD2 is on the minus strand). VCF-style: chr3-47037767-A-G. GRCh37 (hg19) VCF-style: chr3-47079257-A-G.
Other names: c.7117T>C, p.Trp2373Arg (NM_001349370.3); short protein forms W2373R, W2417R.
Identifiers: ClinVar variation 2502090 (VCV002502090.1), dbSNP rs2545412836, ClinGen allele CA352512709.

ClinVar aggregate classification (germline): Uncertain significance (1 of 4 stars; one submission).

Submission:

GeneDx
Classification: Uncertain significance. Last evaluated: 2022-11-14. Review status: criteria provided, single submitter. Criteria: GeneDx Variant Classification Process June 2021. Collection method: clinical testing. Allele origin: germline. Affected: yes.
Comment: Not observed at significant frequency in large population cohorts (gnomAD); In silico analysis supports that this missense variant has a deleterious effect on protein structure/function; Has not been previously published as pathogenic or benign to our knowledge